The following is an entry in ClinVar:

ClinVar aggregate classification (germline): Uncertain significance (1 of 4 stars; one submission).

Conditions:
Peroxisome biogenesis disorder, complementation group 7 (CG7). Also called: Peroxisome biogenesis disorder, complementation group B. Identifiers: MedGen C1864399.

Submission:

Labcorp Genetics (formerly Invitae), Labcorp
Classification: Uncertain significance for Peroxisome biogenesis disorder, complementation group 7. Last evaluated: 2021-07-12. Review status: criteria provided, single submitter. Criteria: Invitae Variant Classification Sherloc (09022015). Collection method: clinical testing. Allele origin: germline.
Comment: This sequence change replaces lysine with glutamic acid at codon 338 of the PEX10 protein (p.Lys338Glu). The lysine residue is moderately conserved and there is a small physicochemical difference between lysine and glutamic acid. This variant is not present in population databases (ExAC no frequency). This variant has not been reported in the literature in individuals affected with PEX10-related conditions. Algorithms developed to predict the effect of missense changes on protein structure and function are either unavailable or do not agree on the potential impact of this missense change (SIFT: "Tolerated"; PolyPhen-2: "Probably Damaging"; Align-GVGD: "Class C0"). In summary, the available evidence is currently insufficient to determine the role of this variant in disease. Therefore, it has been classified as a Variant of Uncertain Significance.

NM_002617.4(PEX10):c.952A>G (p.Lys318Glu)

Gene: PEX10 (peroxisomal biogenesis factor 10; minus strand). Cytogenetic location: 1p36.32.
Variant type: single nucleotide variant.
Coding change: c.952A>G on transcript NM_002617.4 (MANE Select); coding-DNA position 952, A replaced by G.
Protein change: p.Lys318Glu; replaces lysine 318 with glutamic acid.
Molecular consequence: missense variant. On other transcripts: non-coding transcript variant (1).
Genome position (GRCh38, 1-based): chr1:2,405,795, T>C on the plus strand (A>G on the coding strand, the complement: PEX10 is on the minus strand). VCF-style: chr1-2405795-T-C. GRCh37 (hg19) VCF-style: chr1-2337234-T-C.
Other names: c.1009A>G, p.Lys337Glu (NM_001374425.1); c.577A>G, p.Lys193Glu (NM_001374426.1); c.520A>G, p.Lys174Glu (NM_001374427.1); c.1012A>G, p.Lys338Glu (NM_153818.2); short protein forms K193E, K318E, K174E, K337E, K338E.
Identifiers: ClinVar variation 1349056 (VCV001349056.8), dbSNP rs762351770, ClinGen allele CA337982898.